The following is an entry in ClinVar:

ClinVar aggregate classification (germline): Uncertain significance (1 of 4 stars; one submission).

Conditions:
Hereditary nonpolyposis colorectal neoplasms. Identifiers: MedGen C0009405, MeSH D003123.

Submission:

Labcorp Genetics (formerly Invitae), Labcorp
Classification: Uncertain significance for Hereditary nonpolyposis colorectal neoplasms. Last evaluated: 2021-07-30. Review status: criteria provided, single submitter. Criteria: Invitae Variant Classification Sherloc (09022015). Collection method: clinical testing. Allele origin: germline.
Comment: This sequence change replaces valine with methionine at codon 1164 of the MSH6 protein (p.Val1164Met). The valine residue is weakly conserved and there is a small physicochemical difference between valine and methionine. This variant has not been reported in the literature in individuals affected with MSH6-related conditions. Advanced modeling of protein sequence and biophysical properties (such as structural, functional, and spatial information, amino acid conservation, physicochemical variation, residue mobility, and thermodynamic stability) performed at Invitae indicates that this missense variant is not expected to disrupt MSH6 protein function. In summary, the available evidence is currently insufficient to determine the role of this variant in disease. Therefore, it has been classified as a Variant of Uncertain Significance. This variant is not present in population databases (ExAC no frequency).

NM_000179.3(MSH6):c.3490G>A (p.Val1164Met)

Gene: MSH6 (mutS homolog 6; plus strand). Cytogenetic location: 2p16.3.
Variant type: single nucleotide variant.
Coding change: c.3490G>A on transcript NM_000179.3 (MANE Select); coding-DNA position 3490, G replaced by A.
Protein change: p.Val1164Met; replaces valine 1164 with methionine.
Molecular consequence: missense variant.
Genome position (GRCh38, 1-based): chr2:47,804,961, G>A. VCF-style: chr2-47804961-G-A. GRCh37 (hg19) VCF-style: chr2-48032100-G-A.
Other names: c.3100G>A, p.Val1034Met (NM_001281492.2); c.2584G>A, p.Val862Met (NM_001281493.2, NM_001281494.2); short protein forms V1034M, V1164M, V862M.
Identifiers: ClinVar variation 1408162 (VCV001408162.6), dbSNP rs2104506590, ClinGen allele CA346760145.